The following is an entry in ClinVar:

ClinVar aggregate classification (germline): Conflicting classifications of pathogenicity. Review status: criteria provided, conflicting classifications (1 of 4 stars). 15 submissions from 15 submitters: Uncertain significance (9); Benign (1); Likely benign (3). 2 of the submissions do not count toward it. Last evaluated 2026-02-03.

Conditions:
RAD51C-related disorder. Also called: RAD51C-related disorders; RAD51C-related condition.
Breast-ovarian cancer, familial, susceptibility to, 3. Also called: RAD51C-Related Breast/Ovarian Cancer. Identifiers: Orphanet 145, MedGen C3150659, MONDO:0013253, OMIM 613399.
Fanconi anemia complementation group O. Also called: RAD51C-Related Fanconi Anemia. Identifiers: Orphanet 84, MedGen C3150653, MONDO:0013248, OMIM 613390.
Breast and/or ovarian cancer. Identifiers: MedGen CN221562.
Hereditary cancer-predisposing syndrome. Also called: Neoplastic Syndromes, Hereditary; Hereditary Cancer Syndrome; Tumor predisposition; Hereditary neoplastic syndrome. Identifiers: Orphanet 140162, MedGen C0027672, MeSH D009386, MONDO:0015356.
Ovarian cancer. Also called: OVARIAN CANCER, SOMATIC. Identifiers: Orphanet 213500, MedGen C1140680, MONDO:0008170, OMIM 167000.

Allele frequency attached by ClinVar (database versions not stated): gnomAD exomes 0.00002 and 0.00007; ESP Exome Variant Server 0.00015; gnomAD 0.00017 and 0.00016; TOPMed 0.00020; 1000 Genomes Project 0.00040; 1000 Genomes Project 30x 0.00047; ExAC 0.00005.
gnomAD v4.1: 59 of 1,607,966 alleles (0.0037%); highest among the groups gnomAD compares: African/African-American, 0.06%; no homozygotes.

Submissions 1 to 11 of 15:

Labcorp Genetics (formerly Invitae), Labcorp
Classification: Uncertain significance for Fanconi anemia complementation group O. Last evaluated: 2026-02-03. Review status: criteria provided, single submitter. Criteria: Invitae Variant Classification Sherloc (09022015). Collection method: clinical testing. Allele origin: germline.
Comment: This sequence change replaces arginine, which is basic and polar, with cysteine, which is neutral and slightly polar, at codon 214 of the RAD51C protein (p.Arg214Cys). This variant is present in population databases (rs140804406, gnomAD 0.06%). This missense change has been observed in individual(s) with breast, ovarian or endometrial cancer (PMID: 21980511, 25186627, 27443514, 30093976, 35534704). ClinVar contains an entry for this variant (Variation ID: 141324). Invitae Evidence Modeling of protein sequence and biophysical properties (such as structural, functional, and spatial information, amino acid conservation, physicochemical variation, residue mobility, and thermodynamic stability) indicates that this missense variant is not expected to disrupt RAD51C protein function with a negative predictive value of 80%. Experimental studies have shown that this missense change affects RAD51C function (PMID: 21980511). In summary, the available evidence is currently insufficient to determine the role of this variant in disease. Therefore, it has been classified as a Variant of Uncertain Significance.

Women's Health and Genetics/Laboratory Corporation of America, LabCorp
Classification: Uncertain significance. Last evaluated: 2025-11-17. Review status: criteria provided, single submitter. Criteria: LabCorp Variant Classification Summary - May 2015. Collection method: clinical testing. Allele origin: germline.
Comment: Variant summary: RAD51C c.640C>T (p.Arg214Cys) results in a non-conservative amino acid change located in the DNA recombination and repair protein Rad51-like, C-terminal of the encoded protein sequence. Algorithms developed to predict the effect of missense changes on protein structure and function are either unavailable or do not agree on the potential impact of this missense change. The variant allele was found at a frequency of 7.2e-05 in 251226 control chromosomes. Although this frequency is not significantly higher than estimated for a pathogenic variant in RAD51C causing Autosomal Recessive Fanconi Anemia Complementation Group O (7.2e-05 vs 0.00028), the variant allele occurs predominantly at a frequency of 0.0008 within the African or African-American subpopulation in the gnomAD database. The observed variant frequency within African or African-American control individuals in the gnomAD database is approximately 13 fold of the estimated maximal expected allele frequency for a pathogenic variant in RAD51C causing Hereditary Breast And Ovarian Cancer Syndrome phenotype (6.3e-05), strongly suggesting that the variant is a benign polymorphism found primarily in populations of African or African-American origin. In addition, the variant has also been reported in 3 / 2559 African American women, who are older than age 70 and cancer free (FLOSSIES database). c.640C>T has been reported in the literature in individuals affected with Breast and Ovarian Cancer (example, Tung_2014, Ring_2016, Clague_2011). These report(s) do not provide unequivocal conclusions about association of the variant with Hereditary Breast And Ovarian Cancer Syndrome or Fanconi Anemia Complementation Group O. At least one publication reports experimental evidence evaluating an impact on protein function. The most pronounced variant effect results in small but significant reductions in interaction between RAD51C and both XRCC3 and RAD51B, but there were no marked changes in the steady-state level of RAD51C (Clague_2011). The following publications have been ascertained in the context of this evaluation (PMID: 21980511, 23117857, 27443514, 25470109, 25186627). ClinVar contains an entry for this variant (Variation ID: 141324). Based on the evidence outlined above, the variant was classified as uncertain significance.

Mayo Clinic Laboratories, Mayo Clinic
Classification: Uncertain significance. Last evaluated: 2025-06-13. Review status: criteria provided, single submitter. Criteria: ACMG Guidelines, 2015. Collection method: clinical testing. Allele origin: germline. Observed: 1 variant allele.
Comment: BP4_moderate

Color Diagnostics, LLC DBA Color Health
Classification: Likely benign for Hereditary cancer-predisposing syndrome. Last evaluated: 2024-09-19. Review status: criteria provided, single submitter. Criteria: ACMG Guidelines, 2015. Collection method: clinical testing. Allele origin: germline.

Fulgent Genetics
Classification: Uncertain significance for Fanconi anemia complementation group O; Breast-ovarian cancer, familial, susceptibility to, 3. Last evaluated: 2024-03-07. Review status: criteria provided, single submitter. Criteria: ACMG Guidelines, 2015. Collection method: clinical testing. Allele origin: germline.

Quest Diagnostics Nichols Institute San Juan Capistrano
Classification: Uncertain significance. Last evaluated: 2023-06-26. Review status: criteria provided, single submitter. Criteria: Quest Diagnostics criteria. Collection method: clinical testing. Allele origin: unknown.
Comment: In the published literature, this variant has been reported in individuals with breast and/or ovarian cancer (PMIDs: 21980511 (2011), 25186627 (2015), (30093976 (2018), 33471991 (2021)), in an individua with endometrial cancer (PMID: 27443514 (2016)) as well as in unaffected controls (PMID: 33471991 (2021)), see also LOVD (RAD51C)). In a yeast-two-hybrid assay, the variant resulted in reduced RAD51C protein level and binding with XRCC3 and RAD51B (PMID 21980511 (2011)). However, more recent studies using both cell-based homologous recombination (HR) assays and yeast analysis showed that the variant retained normal binding to RAD51D, RAD51B and XRCC3, and had proficient HR activity (PMIDs: 36099300 (2022) and 37253112 (2023)). The frequency of this variant in the general population, 0.00068 (17/24962 chromosomes in African/African American subpopulation (Genome Aggregation Database)), is higher than would generally be expected for pathogenic variants in this gene. Based on the available information, we are unable to determine the clinical significance of this variant.

Myriad Genetics, Inc.
Classification: Likely benign for Breast-ovarian cancer, familial, susceptibility to, 3. Last evaluated: 2023-04-05. Review status: criteria provided, single submitter. Criteria: Myriad Autosomal Dominant, Autosomal Recessive and X-Linked Classification Criteria (2023). Collection method: clinical testing. Allele origin: unknown.
Comment: This variant is considered likely benign. This variant is strongly associated with less severe personal and family histories of cancer, typical for individuals without pathogenic variants in this gene [PMID: 25085752].

Ambry Genetics
Classification: Likely benign for Hereditary cancer-predisposing syndrome. Last evaluated: 2023-02-02. Review status: criteria provided, single submitter. Criteria: Ambry Variant Classification Scheme 2023. Collection method: clinical testing. Allele origin: germline.

GeneDx
Classification: Uncertain significance. Last evaluated: 2022-12-10. Review status: criteria provided, single submitter. Criteria: GeneDx Variant Classification Process June 2021. Collection method: clinical testing. Allele origin: germline. Affected: yes.
Comment: Published functional studies are inconclusive: demonstrates reduced binding with XRCC3 and RAD51B in one study, while another study showed RAD51D, RAD51B and XRCC3 binding similar to wild-type and proficient homologous recombination (HR) activity (Clague et al., 2011; Prakash et al., 2022); In silico analysis supports that this missense variant does not alter protein structure/function; This variant is associated with the following publications: (PMID: 23117857, 25186627, 25470109, 21980511, 27443514, 28829762, 30093976, 14704354, 36099300)

CHEO Genetics Diagnostic Laboratory, Children's Hospital of Eastern Ontario
Classification: Uncertain significance for Breast and/or ovarian cancer. Last evaluated: 2022-09-01. Review status: criteria provided, single submitter. Criteria: ACMG Guidelines, 2015. Collection method: clinical testing. Allele origin: germline.

Laboratory of Molecular Epidemiology of Birth Defects, West China Second University Hospital, Sichuan University
Classification: Benign for Ovarian cancer. Last evaluated: 2022-01-01. Review status: criteria provided, single submitter. Criteria: ACMG Guidelines, 2015. Collection method: clinical testing. Allele origin: germline. Affected: yes.

NM_058216.3(RAD51C):c.640C>T (p.Arg214Cys)

Genes: RAD51C (RAD51 paralog C; plus strand), LOC129390903 (MPRA-validated peak2919 silencer; plus strand). Cytogenetic location: 17q22.
Variant type: single nucleotide variant.
Coding change: c.640C>T on transcript NM_058216.3 (MANE Select); coding-DNA position 640, C replaced by T.
Protein change: p.Arg214Cys; replaces arginine 214 with cysteine.
Molecular consequence: missense variant. On other transcripts: non-coding transcript variant (1).
Genome position (GRCh38, 1-based): chr17:58,703,264, C>T. VCF-style: chr17-58703264-C-T. GRCh37 (hg19) VCF-style: chr17-56780625-C-T.
Other names: p.R214C:CGT>TGT; p.Arg214Cys; short protein forms R214C.
Identifiers: ClinVar variation 141324 (VCV000141324.43), dbSNP rs140804406, ClinGen allele CA294121.